The following is an entry in ClinVar:

ClinVar aggregate classification (germline): Uncertain significance. Review status: criteria provided, multiple submitters, no conflicts (2 of 4 stars). 2 submissions from 2 submitters: Uncertain significance (2). Last evaluated 2025-04-04.

Allele frequency attached by ClinVar (database versions not stated): TOPMed 0.00001; gnomAD 0.00003; gnomAD exomes 0.00003; ExAC 0.00007; 1000 Genomes Project 30x 0.00016; 1000 Genomes Project 0.00020.
gnomAD v4.1: 44 of 1,613,990 alleles (0.0027%); highest among the groups gnomAD compares: South Asian, 0.046%; no homozygotes.

Submissions (2):

Ambry Genetics
Classification: Uncertain significance. Last evaluated: 2025-04-04. Review status: criteria provided, single submitter. Criteria: Ambry Variant Classification Scheme 2023. Collection method: clinical testing. Allele origin: germline.

Labcorp Genetics (formerly Invitae), Labcorp
Classification: Uncertain significance. Last evaluated: 2023-08-04. Review status: criteria provided, single submitter. Criteria: Invitae Variant Classification Sherloc (09022015). Collection method: clinical testing. Allele origin: germline.
Comment: This variant has not been reported in the literature in individuals affected with PLXNA2-related conditions. This variant is present in population databases (rs566451776, gnomAD 0.05%). This sequence change replaces isoleucine, which is neutral and non-polar, with methionine, which is neutral and non-polar, at codon 556 of the PLXNA2 protein (p.Ile556Met). In summary, the available evidence is currently insufficient to determine the role of this variant in disease. Therefore, it has been classified as a Variant of Uncertain Significance. Advanced modeling of protein sequence and biophysical properties (such as structural, functional, and spatial information, amino acid conservation, physicochemical variation, residue mobility, and thermodynamic stability) performed at Invitae indicates that this missense variant is not expected to disrupt PLXNA2 protein function. ClinVar contains an entry for this variant (Variation ID: 1918356).

NM_025179.4(PLXNA2):c.1668C>G (p.Ile556Met)

Gene: PLXNA2 (plexin A2; minus strand). Cytogenetic location: 1q32.2.
Variant type: single nucleotide variant.
Coding change: c.1668C>G on transcript NM_025179.4 (MANE Select); coding-DNA position 1668, C replaced by G.
Protein change: p.Ile556Met; replaces isoleucine 556 with methionine.
Molecular consequence: missense variant.
Genome position (GRCh38, 1-based): chr1:208,098,909, G>C on the plus strand (C>G on the coding strand, the complement: PLXNA2 is on the minus strand). VCF-style: chr1-208098909-G-C. GRCh37 (hg19) VCF-style: chr1-208272254-G-C.
Other names: c.1668C>G (NM_025179.3); short protein forms I556M.
Identifiers: ClinVar variation 1918356 (VCV001918356.6), dbSNP rs566451776, ClinGen allele CA1373758.